The following is an entry in ClinVar:

NM_001211.6(BUB1B):c.3070G>C (p.Asp1024His)

Genes: BUB1B (BUB1 mitotic checkpoint serine/threonine kinase B; plus strand), BUB1B-PAK6 (BUB1B-PAK6 readthrough; plus strand). Cytogenetic location: 15q15.1.
Variant type: single nucleotide variant.
Coding change: c.3070G>C on transcript NM_001211.6 (MANE Select); coding-DNA position 3070, G replaced by C.
Protein change: p.Asp1024His; replaces aspartic acid 1024 with histidine.
Molecular consequence: missense variant. On other transcripts: intron variant (2).
Genome position (GRCh38, 1-based): chr15:40,220,676, G>C. VCF-style: chr15-40220676-G-C. GRCh37 (hg19) VCF-style: chr15-40512877-G-C.
Other names: c.-201+3009G>C (NM_001128628.3); c.-118+3009G>C (NM_001128629.3); short protein forms D1024H.
Identifiers: ClinVar variation 1799498 (VCV001799498.3), dbSNP rs976402578, ClinGen allele CA268763546.

ClinVar aggregate classification (germline): Uncertain significance (1 of 4 stars; one submission).

Conditions:
Inborn genetic diseases. Identifiers: MedGen C0950123, MeSH D030342.

Allele frequency attached by ClinVar (database versions not stated): TOPMed 0.00001; gnomAD exomes below 0.00001.
gnomAD v4.1: 1 of 1,614,160 alleles (0.000062%); highest among the groups gnomAD compares: Non-Finnish European, 0.000085%; no homozygotes.

Submission:

Ambry Genetics
Classification: Uncertain significance for Inborn genetic diseases. Last evaluated: 2025-04-17. Review status: criteria provided, single submitter. Criteria: Ambry Variant Classification Scheme 2023. Collection method: clinical testing. Allele origin: germline.
Comment: The p.D1024H variant (also known as c.3070G>C), located in coding exon 23 of the BUB1B gene, results from a G to C substitution at nucleotide position 3070. The aspartic acid at codon 1024 is replaced by histidine, an amino acid with similar properties. This amino acid position is conserved. In addition, the in silico prediction for this alteration is inconclusive. Since supporting evidence is limited at this time, the clinical significance of this alteration remains unclear.